The following is an entry in ClinVar:

NM_000535.7(PMS2):c.718A>T (p.Ile240Phe)

Gene: PMS2 (PMS1 homolog 2, mismatch repair system component; minus strand). Cytogenetic location: 7p22.1.
Variant type: single nucleotide variant.
Coding change: c.718A>T on transcript NM_000535.7 (MANE Select); coding-DNA position 718, A replaced by T.
Protein change: p.Ile240Phe; replaces isoleucine 240 with phenylalanine.
Molecular consequence: missense variant. On other transcripts: 5 prime UTR variant (2), non-coding transcript variant (1).
Genome position (GRCh38, 1-based): chr7:5,997,411, T>A on the plus strand (A>T on the coding strand, the complement: PMS2 is on the minus strand). VCF-style: chr7-5997411-T-A. GRCh37 (hg19) VCF-style: chr7-6037042-T-A.
Other names: c.313A>T, p.Ile105Phe (NM_001322003.2, NM_001322004.2, NM_001322005.2 and 2 more transcripts); c.718A>T, p.Ile240Phe (NM_001322006.2, NM_001322014.2); c.400A>T, p.Ile134Phe (NM_001322007.2, NM_001322008.2); c.-216A>T (NM_001322011.2, NM_001322012.2); c.145A>T, p.Ile49Phe (NM_001322013.2); c.409A>T, p.Ile137Phe (NM_001322015.2); short protein forms I49F, I105F, I240F, I134F, I137F.
Identifiers: ClinVar variation 650427 (VCV000650427.11), dbSNP rs746592049, ClinGen allele CA366743774.
Genomic context (GRCh38, chr7:5,997,411, plus strand): 5'-AACAGCTCAAACCGTACTCTTCACACACGGAGTCACTAGGGGGCAGCTGAACAAAAGGAA[T>A]GAGGCTTTGCAACTGAAAAAAAAAAAAAAAAATTCACAGTTACTTCCTAATAAAGACAGA-3'
Protein context (NP_000526.2, residues 230-250): VFGQKQLQSL[Ile240Phe]PFVQLPPSDS

ClinVar aggregate classification (germline): Uncertain significance. Review status: criteria provided, multiple submitters, no conflicts (2 of 4 stars). 2 submissions from 2 submitters: Uncertain significance (2). Last evaluated 2023-04-01.

Conditions:
Hereditary nonpolyposis colorectal neoplasms. Identifiers: MedGen C0009405, MeSH D003123.
Hereditary cancer-predisposing syndrome. Also called: Neoplastic Syndromes, Hereditary; Tumor predisposition; Hereditary Cancer Syndrome; Hereditary neoplastic syndrome. Identifiers: Orphanet 140162, MedGen C0027672, MeSH D009386, MONDO:0015356.

gnomAD v4.1: 2 of 1,573,456 alleles (0.00013%); highest among the groups gnomAD compares: Non-Finnish European, 0.00017%; no homozygotes.

Submissions (2):

Labcorp Genetics (formerly Invitae), Labcorp
Classification: Uncertain significance for Hereditary nonpolyposis colorectal neoplasms. Last evaluated: 2023-04-01. Review status: criteria provided, single submitter. Criteria: Invitae Variant Classification Sherloc (09022015). Collection method: clinical testing. Allele origin: germline.
Comment: This sequence change replaces isoleucine, which is neutral and non-polar, with phenylalanine, which is neutral and non-polar, at codon 240 of the PMS2 protein (p.Ile240Phe). In summary, the available evidence is currently insufficient to determine the role of this variant in disease. Therefore, it has been classified as a Variant of Uncertain Significance. Advanced modeling of protein sequence and biophysical properties (such as structural, functional, and spatial information, amino acid conservation, physicochemical variation, residue mobility, and thermodynamic stability) performed at Invitae indicates that this missense variant is expected to disrupt PMS2 protein function. ClinVar contains an entry for this variant (Variation ID: 650427). This missense change has been observed in individual(s) with clinical features of Lynch syndrome (PMID: 24710284). This variant is not present in population databases (gnomAD no frequency).

Ambry Genetics
Classification: Uncertain significance for Hereditary cancer-predisposing syndrome. Last evaluated: 2022-04-01. Review status: criteria provided, single submitter. Criteria: Ambry Variant Classification Scheme 2023. Collection method: clinical testing. Allele origin: germline.
Comment: The p.I240F variant (also known as c.718A>T), located in coding exon 7 of the PMS2 gene, results from an A to T substitution at nucleotide position 718. The isoleucine at codon 240 is replaced by phenylalanine, an amino acid with highly similar properties. This alteration was detected in a patient with MMR-proficient colon cancer and whose family meets Amsterdam I/ II criteria (Liu Y et al. PLoS One. 2014 Apr;9:e94170). This amino acid position is well conserved in available vertebrate species. In addition, the in silico prediction for this alteration is inconclusive. Since supporting evidence is limited at this time, the clinical significance of this alteration remains unclear.

Literature cited by the submitters: PubMed 24710284 (cited by Labcorp Genetics (formerly Invitae), Labcorp and Ambry Genetics).